The following is an entry in ClinVar:

NM_001081550.2(THOC2):c.1604A>G (p.His535Arg)

Gene: THOC2 (THO complex subunit 2; minus strand). Cytogenetic location: Xq25.
Variant type: single nucleotide variant.
Coding change: c.1604A>G on transcript NM_001081550.2 (MANE Select); coding-DNA position 1604, A replaced by G.
Protein change: p.His535Arg; replaces histidine 535 with arginine.
Molecular consequence: missense variant.
Genome position (GRCh38, 1-based): chrX:123,644,632, T>C on the plus strand (A>G on the coding strand, the complement: THOC2 is on the minus strand). VCF-style: chrX-123644632-T-C. GRCh37 (hg19) VCF-style: chrX-122778483-T-C.
Other names: short protein forms H535R.
Identifiers: ClinVar variation 1310467 (VCV001310467.3), dbSNP rs750213064, ClinGen allele CA10507703.
Genomic context (GRCh38, chrX:123,644,632, plus strand): 5'-TACTTCATGATATATTTGGCTCTGTCTATTGTTTGAGCTTTAACTTTTACTAAAAGTGGG[T>C]GACTGTTATAAGTTTCATTCTTCCACTGGCCATACAGACGATATCTTAAAAAACGATGAG-3'
Protein context (NP_001075019.1, residues 525-545): GQWKNETYNS[His535Arg]PLLVKVKAQT

ClinVar aggregate classification (germline): Uncertain significance (1 of 4 stars; one submission).

Allele frequency attached by ClinVar (database versions not stated): ExAC 0.00001; gnomAD exomes 0.00001.
gnomAD v4.1: 7 of 1,206,605 alleles (0.00058%); highest among the groups gnomAD compares: Non-Finnish European, 0.00078%; no homozygotes.

Submission:

GeneDx
Classification: Uncertain significance. Last evaluated: 2024-08-21. Review status: criteria provided, single submitter. Criteria: GeneDx Variant Classification Process June 2021. Collection method: clinical testing. Allele origin: germline. Affected: yes.
Comment: In silico analysis, which includes protein predictors and evolutionary conservation, supports a deleterious effect; Not observed at significant frequency in large population cohorts (gnomAD); Has not been previously published as pathogenic or benign to our knowledge